The following is an entry in ClinVar:

NM_000059.4(BRCA2):c.1588A>G (p.Lys530Glu)

Gene: BRCA2 (BRCA2 DNA repair associated; plus strand). Cytogenetic location: 13q13.1.
Variant type: single nucleotide variant.
Coding change: c.1588A>G on transcript NM_000059.4 (MANE Select); coding-DNA position 1588, A replaced by G.
Protein change: p.Lys530Glu; replaces lysine 530 with glutamic acid.
Molecular consequence: missense variant.
Genome position (GRCh38, 1-based): chr13:32,333,066, A>G. VCF-style: chr13-32333066-A-G. GRCh37 (hg19) VCF-style: chr13-32907203-A-G.
Other names: short protein forms K530E.
Identifiers: ClinVar variation 531445 (VCV000531445.14), dbSNP rs879255325, ClinGen allele CA387764787.
Genomic context (GRCh38, chr13:32,333,066, plus strand): 5'-GAATCACCTAAAGAGACTTTCAATGCAAGTTTTTCAGGTCATATGACTGATCCAAACTTT[A>G]AAAAAGAAACTGAAGCCTCTGAAAGTGGACTGGAAATACATACTGTTTGCTCACAGAAGG-3'
Protein context (NP_000050.3, residues 520-540): FSGHMTDPNF[Lys530Glu]KETEASESGL

ClinVar aggregate classification (germline): Conflicting classifications of pathogenicity. Review status: criteria provided, conflicting classifications (1 of 4 stars). 4 submissions from 4 submitters: Uncertain significance (3); Likely benign (1). Last evaluated 2025-07-20.

Conditions:
Hereditary cancer-predisposing syndrome. Also called: Hereditary neoplastic syndrome; Neoplastic Syndromes, Hereditary; Tumor predisposition; Hereditary Cancer Syndrome. Identifiers: Orphanet 140162, MedGen C0027672, MeSH D009386, MONDO:0015356.
Hereditary breast ovarian cancer syndrome. Also called: Hereditary breast and ovarian cancer syndrome (HBOC); BRCA1- and BRCA2-Associated Hereditary Breast and Ovarian Cancer; Hereditary breast and ovarian cancer syndrome; Breast and ovarian cancer; Hereditary breast and ovarian cancer; Hereditary breast and/or ovarian cancer syndrome. Identifiers: Orphanet 145, MedGen C0677776, MeSH D061325, MONDO:0003582. Disease mechanism: loss of function.

Submissions (4):

Women's Health and Genetics/Laboratory Corporation of America, LabCorp
Classification: Uncertain significance. Last evaluated: 2025-07-20. Review status: criteria provided, single submitter. Criteria: LabCorp Variant Classification Summary - May 2015. Collection method: clinical testing. Allele origin: germline.

Labcorp Genetics (formerly Invitae), Labcorp
Classification: Uncertain significance for Hereditary breast ovarian cancer syndrome. Last evaluated: 2024-10-01. Review status: criteria provided, single submitter. Criteria: Invitae Variant Classification Sherloc (09022015). Collection method: clinical testing. Allele origin: germline.
Comment: This sequence change replaces lysine, which is basic and polar, with glutamic acid, which is acidic and polar, at codon 530 of the BRCA2 protein (p.Lys530Glu). This variant is not present in population databases (gnomAD no frequency). This variant has not been reported in the literature in individuals affected with BRCA2-related conditions. ClinVar contains an entry for this variant (Variation ID: 531445). Invitae Evidence Modeling of protein sequence and biophysical properties (such as structural, functional, and spatial information, amino acid conservation, physicochemical variation, residue mobility, and thermodynamic stability) indicates that this missense variant is not expected to disrupt BRCA2 protein function with a negative predictive value of 95%. In summary, the available evidence is currently insufficient to determine the role of this variant in disease. Therefore, it has been classified as a Variant of Uncertain Significance.

Ambry Genetics
Classification: Uncertain significance for Hereditary cancer-predisposing syndrome. Last evaluated: 2024-02-21. Review status: criteria provided, single submitter. Criteria: Ambry Variant Classification Scheme 2023. Collection method: clinical testing. Allele origin: germline.
Comment: The p.K530E variant (also known as c.1588A>G), located in coding exon 9 of the BRCA2 gene, results from an A to G substitution at nucleotide position 1588. The lysine at codon 530 is replaced by glutamic acid, an amino acid with similar properties. This amino acid position is not well conserved in available vertebrate species. In addition, this alteration is predicted to be tolerated by in silico analysis. Based on the available evidence, the clinical significance of this alteration remains unclear.

University of Washington Department of Laboratory Medicine, University of Washington
Classification: Likely benign for Hereditary cancer-predisposing syndrome. Last evaluated: 2023-03-23. Review status: criteria provided, single submitter. Criteria: Dines et al. (Genet Med. 2020). Collection method: curation. Allele origin: germline.
Comment: Missense variant in a coldspot region where missense variants are very unlikely to be pathogenic (PMID:31911673).

BRCA2 exon 10 coldspot. Reclassification based on statistical prior probability.